The following is an entry in ClinVar:

NM_005419.4(STAT2):c.989G>A (p.Arg330Gln)

Gene: STAT2 (signal transducer and activator of transcription 2; minus strand). Cytogenetic location: 12q13.3.
Variant type: single nucleotide variant.
Coding change: c.989G>A on transcript NM_005419.4 (MANE Select); coding-DNA position 989, G replaced by A.
Protein change: p.Arg330Gln; replaces arginine 330 with glutamine.
Molecular consequence: missense variant.
Genome position (GRCh38, 1-based): chr12:56,351,143, C>T on the plus strand (G>A on the coding strand, the complement: STAT2 is on the minus strand). VCF-style: chr12-56351143-C-T. GRCh37 (hg19) VCF-style: chr12-56744927-C-T.
Other names: c.989G>A, p.Arg330Gln (LRG_1329t1); c.977G>A, p.Arg326Gln (NM_198332.2); short protein forms R330Q, R326Q.
Identifiers: ClinVar variation 208666 (VCV000208666.6), dbSNP rs149666262, ClinGen allele CA214609.

ClinVar aggregate classification (germline): Uncertain significance. Review status: criteria provided, multiple submitters, no conflicts (2 of 4 stars). 3 submissions from 3 submitters: Uncertain significance (3). Last evaluated 2021-04-20.

Conditions:
Primary immunodeficiency with post-measles-mumps-rubella vaccine viral infection. Also called: Immunodeficiency 44. Identifiers: Orphanet 431166, MedGen C4225260, MONDO:0014715, OMIM 616636.
Inborn genetic diseases. Identifiers: MedGen C0950123, MeSH D030342.

Allele frequency attached by ClinVar (database versions not stated): ExAC 0.00002; gnomAD exomes 0.00003 and 0.00004; gnomAD 0.00007; ESP Exome Variant Server 0.00008; TOPMed 0.00009.

Submissions (3):

Blueprint Genetics
Classification: Uncertain significance. Last evaluated: 2021-04-20. Review status: criteria provided, single submitter. Criteria: ACMG Guidelines, 2015. Collection method: clinical testing. Allele origin: germline.

Labcorp Genetics (formerly Invitae), Labcorp
Classification: Uncertain significance for Immunodeficiency 44. Last evaluated: 2018-08-26. Review status: criteria provided, single submitter. Criteria: Invitae Variant Classification Sherloc (09022015). Collection method: clinical testing. Allele origin: germline.
Comment: This sequence change replaces arginine with glutamine at codon 330 of the STAT2 protein (p.Arg330Gln). The arginine residue is moderately conserved and there is a small physicochemical difference between arginine and glutamine. This variant is present in population databases (rs149666262, ExAC 0.02%). This variant has not been reported in the literature in individuals with STAT2-related disease. ClinVar contains an entry for this variant (Variation ID: 208666). Algorithms developed to predict the effect of missense changes on protein structure and function are either unavailable or do not agree on the potential impact of this missense change (SIFT: "Tolerated"; PolyPhen-2: "Probably Damaging"; Align-GVGD: "Class C0"). In summary, the available evidence is currently insufficient to determine the role of this variant in disease. Therefore, it has been classified as a Variant of Uncertain Significance.

Ambry Genetics
Classification: Uncertain significance for Inborn genetic diseases. Last evaluated: 2014-03-21. Review status: criteria provided, single submitter. Criteria: Ambry Autosomal Dominant and X-Linked criteria (10/2015). Collection method: clinical testing. Allele origin: germline. Observed: 1 variant allele.
Comment: There is insufficient or conflicting evidence for classification of this alteration.